The following is an entry in ClinVar:

ClinVar aggregate classification (germline): Conflicting classifications of pathogenicity. Review status: criteria provided, conflicting classifications (1 of 4 stars). 12 submissions from 11 submitters: Uncertain significance (4); Benign (1); Likely benign (6). 1 of the submissions does not count toward it. Last evaluated 2026-01-11.

Conditions:
NF1-related disorder. Also called: NF1-related condition. Identifiers: MedGen CN379171.
Hereditary cancer-predisposing syndrome. Also called: Hereditary Cancer Syndrome; Tumor predisposition; Neoplastic Syndromes, Hereditary; Hereditary neoplastic syndrome. Identifiers: Orphanet 140162, MedGen C0027672, MeSH D009386, MONDO:0015356.
Cardiovascular phenotype. Identifiers: MedGen CN230736.
Tibial pseudarthrosis. Identifiers: MedGen C4024216, HP:0009736.
Neurofibromatosis, type 1 (NF1). Also called: VON RECKLINGHAUSEN DISEASE; Peripheral type neurofibromatosis; Neurofibromatosis, type I; NEUROFIBROMATOSIS, TYPE I, SOMATIC. Identifiers: Orphanet 636, MedGen C0027831, MONDO:0018975, OMIM 162200. Disease mechanism: loss of function.

Allele frequency attached by ClinVar (database versions not stated): gnomAD 0.00001 and 0.00002; TOPMed 0.00002; ExAC 0.00007; 1000 Genomes Project 30x 0.00016; 1000 Genomes Project 0.00020.
gnomAD v4.1: 27 of 1,613,622 alleles (0.0017%); highest among the groups gnomAD compares: East Asian, 0.02%; no homozygotes.

Submissions (12):

Labcorp Genetics (formerly Invitae), Labcorp
Classification: Likely benign for Neurofibromatosis, type 1. Last evaluated: 2026-01-11. Review status: criteria provided, single submitter. Criteria: Invitae Variant Classification Sherloc (09022015). Collection method: clinical testing. Allele origin: germline.

PreventionGenetics, part of Exact Sciences
Classification: Likely benign for NF1-related condition. Last evaluated: 2025-10-28. Review status: criteria provided, single submitter. Criteria: ACMG Guidelines, 2015. Collection method: clinical testing. Allele origin: germline.
Comment: This variant is classified as likely benign based on ACMG/AMP sequence variant interpretation guidelines (Richards et al. 2015 PMID: 25741868, with internal and published modifications).

CeGaT Center for Human Genetics Tuebingen
Classification: Likely benign. Last evaluated: 2023-10-01. Review status: criteria provided, single submitter. Criteria: CeGaT Center For Human Genetics Tuebingen Variant Classification Criteria Version 2. Collection method: clinical testing. Allele origin: germline. Affected: yes. Observed: 3 variant alleles.
Comment: NF1: BS2

Women's Health and Genetics/Laboratory Corporation of America, LabCorp
Classification: Likely benign. Last evaluated: 2022-05-10. Review status: criteria provided, single submitter. Criteria: LabCorp Variant Classification Summary - May 2015. Collection method: clinical testing. Allele origin: germline.
Comment: Variant summary: NF1 c.2294G>A (p.Arg765His) results in a non-conservative amino acid change in the encoded protein sequence. Four of five in-silico tools predict a damaging effect of the variant on protein function. The variant allele was found at a frequency of 8e-05 in 250754 control chromosomes, predominantly at a frequency of 0.00082 within the East Asian subpopulation in the gnomAD database. The observed variant frequency within East Asian control individuals in the gnomAD database is approximately 4-fold of the estimated maximal expected allele frequency for a pathogenic variant in NF1 causing Neurofibromatosis Type 1 phenotype (0.00021), strongly suggesting that the variant is a benign polymorphism found primarily in populations of East Asian origin. c.2294G>A has been reported in the literature poorly segregating in individuals affected with Neurofibromatosis Type 1 within a family (e.g. Abernathy_1997, Krkljus_1998), while it was also reported in individuals unaffected with NF1 (Zhu_2019, Dorling_2021). To our knowledge, no experimental evidence demonstrating an impact on protein function has been reported. Seven ClinVar submitters have assessed the variant since 2014: five classified the variant as of uncertain significance and two as likely benign. Based on the evidence outlined above, the variant was classified as likely benign.

Ambry Genetics
Classification: Benign for Cardiovascular phenotype; Hereditary cancer-predisposing syndrome. Last evaluated: 2022-01-12. Review status: criteria provided, single submitter. Criteria: Ambry Variant Classification Scheme 2023. Collection method: clinical testing. Allele origin: germline.

Sema4
Classification: Likely benign for Hereditary cancer-predisposing syndrome. Last evaluated: 2020-11-12. Review status: criteria provided, single submitter. Criteria: Sema4 Curation Guidelines. Collection method: curation. Allele origin: germline.

GeneDx
Classification: Likely benign. Last evaluated: 2019-08-05. Review status: criteria provided, single submitter. Criteria: GeneDx Variant Classification Process June 2021. Collection method: clinical testing. Allele origin: germline. Affected: yes.
Comment: This variant is associated with the following publications: (PMID: 9195229, 10336779, 24448499)

The Laboratory of Genetics and Metabolism, Hunan Children’s Hospital
Classification: Uncertain significance for Neurofibromatosis, type 1; Tibial pseudoarthrosis. Last evaluated: 2018-11-10. Review status: criteria provided, single submitter. Criteria: ACMG Guidelines, 2015. Collection method: research. Allele origin: paternal. Affected: yes. Observed: 1 variant allele.

SIB Swiss Institute of Bioinformatics
Classification: Uncertain significance for Neurofibromatosis, type 1. Last evaluated: 2018-05-31. Review status: criteria provided, single submitter. Criteria: ACMG Guidelines, 2015. Collection method: curation. Allele origin: unknown.
Comment: This variant is interpreted as a Uncertain Significance - Insufficient Evidence, for Neurofibromatosis 1, in Autosomal Dominant manner. The following ACMG Tag(s) were applied: BS1 => Allele frequency is greater than expected for disorder.

Center for Human Genetics, Inc
Classification: Uncertain significance for Neurofibromatosis, type 1. Last evaluated: 2016-11-01. Review status: criteria provided, single submitter. Criteria: ACMG Guidelines, 2015. Collection method: clinical testing. Allele origin: germline. Affected: yes.

Ambry Genetics
Classification: Uncertain significance for Hereditary cancer-predisposing syndrome. Last evaluated: 2015-07-13. Review status: criteria provided, single submitter. Criteria: Ambry Autosomal Dominant and X-Linked criteria (10/2015). Collection method: clinical testing. Allele origin: germline. Observed: 1 variant allele.
Comment: The p.R765H variant (also known as c.2294G>A), located in coding exon 19 of the NF1 gene, results from a G to A substitution at nucleotide position 2294.This variant was reported in one NF1 patient but not in affected relatives(Abernathy CR, et al. Hum.Mutat. 1997 ; 9(6):548-54). The arginine at codon 765 is replaced by histidine, an amino acid with highly similar properties. This variant was previously reported in the SNPDatabase as rs199474777.To date, this alteration has been detected with an allele frequency of approximately 0.002% (greater than55000 alleles tested) in our clinical cohort. This amino acid position is highly conserved in available vertebrate species. In addition, the in silico prediction for this alteration is inconclusive.Since supporting evidence for this variant is limited at this time, the clinical significance ofp.R765Hremains unclear.

UniProtKB/Swiss-Prot
No classification provided. Review status: no classification provided. Collection method: not provided. Allele origin: not provided. Not counted in ClinVar's aggregate classification.

Literature cited by the submitters: PubMed 10678181 (cited by Women's Health and Genetics/Laboratory Corporation of America, LabCorp); PubMed 23460398 (cited by Women's Health and Genetics/Laboratory Corporation of America, LabCorp); PubMed 29872168 (cited by Women's Health and Genetics/Laboratory Corporation of America, LabCorp); PubMed 31533797 (cited by Women's Health and Genetics/Laboratory Corporation of America, LabCorp and The Laboratory of Genetics and Metabolism, Hunan Children’s Hospital); PubMed 27069254 (cited by Women's Health and Genetics/Laboratory Corporation of America, LabCorp); PubMed 33471991 (cited by Women's Health and Genetics/Laboratory Corporation of America, LabCorp); PubMed 9195229 (cited by Women's Health and Genetics/Laboratory Corporation of America, LabCorp and Ambry Genetics); PubMed 10336779 (cited by Women's Health and Genetics/Laboratory Corporation of America, LabCorp); PubMed 24448499 (cited by Ambry Genetics).

NM_001042492.3(NF1):c.2294G>A (p.Arg765His)

Gene: NF1 (neurofibromin 1; plus strand). Cytogenetic location: 17q11.2.
Variant type: single nucleotide variant.
Coding change: c.2294G>A on transcript NM_001042492.3 (MANE Select); coding-DNA position 2294, G replaced by A.
Protein change: p.Arg765His; replaces arginine 765 with histidine.
Molecular consequence: missense variant.
Genome position (GRCh38, 1-based): chr17:31,227,260, G>A. VCF-style: chr17-31227260-G-A. GRCh37 (hg19) VCF-style: chr17-29554278-G-A.
Other names: NM_000267.3(NF1):c.2294G>A(p.Arg765His); NM_001042492.2(NF1):c.2294G>A(p.Arg765His); c.2294G>A, p.Arg765His (NM_000267.4); short protein forms R765H.
Identifiers: ClinVar variation 68313 (VCV000068313.58), dbSNP rs199474777, ClinGen allele CA219435.